The following is an entry in ClinVar:

ClinVar aggregate classification (germline): Likely benign. Review status: criteria provided, multiple submitters, no conflicts (2 of 4 stars). 9 submissions from 9 submitters: Likely benign (9). Last evaluated 2026-06-16.

Conditions:
PKP2-related disorder. Also called: PKP2-related condition.
Cardiovascular phenotype. Identifiers: MedGen CN230736.
Arrhythmogenic right ventricular cardiomyopathy (ARVD). Also called: Arrhythmogenic cardiomyopathy; Arrhythmogenic Right Ventricular Cardiomyopathy (ARVC); Arrhythmogenic right ventricular dysplasia; Cardiomyopathy, ARVC. Identifiers: Orphanet 247, MedGen C0349788, MeSH D019571, MONDO:0016587. Disease mechanism: loss of function. Inheritance: Various modes of inheritance.
Cardiomyopathy (CMYO). Also called: Cardiomyopathies. Identifiers: Orphanet 167848, MedGen C0878544, MONDO:0004994, HP:0001638. Inheritance: Various modes of inheritance.
Arrhythmogenic right ventricular dysplasia 9 (ARVD9). Also called: ARRHYTHMOGENIC RIGHT VENTRICULAR DYSPLASIA, FAMILIAL, 9; Arrhythmogenic Right Ventricular Dysplasia/Cardiomyopathy 9. Identifiers: MedGen C1836906, MONDO:0012180, OMIM 609040.

Allele frequency attached by ClinVar (database versions not stated): TOPMed 0.00008; gnomAD 0.00009 and 0.00008; gnomAD exomes 0.00009 and 0.00017; ExAC 0.00012; ESP Exome Variant Server 0.00023.

Submissions (9):

Women's Health and Genetics/Laboratory Corporation of America, LabCorp
Classification: Likely benign. Last evaluated: 2026-06-16. Review status: criteria provided, single submitter. Criteria: LabCorp Variant Classification Summary - May 2015. Collection method: clinical testing. Allele origin: germline.

PreventionGenetics, part of Exact Sciences
Classification: Likely benign for PKP2-related condition. Last evaluated: 2026-01-15. Review status: criteria provided, single submitter. Criteria: ACMG Guidelines, 2015. Collection method: clinical testing. Allele origin: germline.
Comment: This variant is classified as likely benign based on ACMG/AMP sequence variant interpretation guidelines (Richards et al. 2015 PMID: 25741868, with internal and published modifications).

Labcorp Genetics (formerly Invitae), Labcorp
Classification: Likely benign for Arrhythmogenic right ventricular dysplasia 9. Last evaluated: 2026-01-04. Review status: criteria provided, single submitter. Criteria: Invitae Variant Classification Sherloc (09022015). Collection method: clinical testing. Allele origin: germline.

All of Us Research Program, National Institutes of Health
Classification: Likely benign for Arrhythmogenic right ventricular cardiomyopathy. Last evaluated: 2023-12-13. Review status: criteria provided, single submitter. Criteria: ACMG Guidelines, 2015. Collection method: clinical testing. Allele origin: germline. Inheritance: Autosomal dominant inheritance. Observed: 15 variant alleles, 15 heterozygotes.
Comment: This study involves interpretation of variants in research participants for the purpose of population health screening. Participant phenotype was not available at the time of variant classification. Additional details can be found in publication PMID: 35346344, PMCID: PMC8962531

Blueprint Genetics
Classification: Likely benign. Last evaluated: 2021-09-21. Review status: criteria provided, single submitter. Criteria: ACMG Guidelines, 2015. Collection method: clinical testing. Allele origin: germline.

GeneDx
Classification: Likely benign. Last evaluated: 2020-04-03. Review status: criteria provided, single submitter. Criteria: GeneDx Variant Classification Process June 2021. Collection method: clinical testing. Allele origin: germline. Affected: yes.

Ambry Genetics
Classification: Likely benign for Cardiovascular phenotype. Last evaluated: 2019-08-16. Review status: criteria provided, single submitter. Criteria: Ambry Variant Classification Scheme 2023. Collection method: clinical testing. Allele origin: germline.

Color Diagnostics, LLC DBA Color Health
Classification: Likely benign for Cardiomyopathy. Last evaluated: 2018-06-04. Review status: criteria provided, single submitter. Criteria: ACMG Guidelines, 2015. Collection method: clinical testing. Allele origin: germline.

Breakthrough Genomics
Classification: Likely benign. Review status: criteria provided, single submitter. Criteria: ACMG Guidelines, 2015. Collection method: not provided. Allele origin: germline. Inheritance: Autosomal dominant inheritance. Affected: yes.

NM_001005242.3(PKP2):c.996G>A (p.Leu332=)

Gene: PKP2 (plakophilin 2; minus strand). Cytogenetic location: 12p11.21.
Variant type: single nucleotide variant.
Coding change: c.996G>A on transcript NM_001005242.3 (MANE Select); coding-DNA position 996, G replaced by A.
Protein change: p.Leu332=; no amino-acid change (leucine 332 retained).
Molecular consequence: synonymous variant.
Genome position (GRCh38, 1-based): chr12:32,877,884, C>T on the plus strand (G>A on the coding strand, the complement: PKP2 is on the minus strand). VCF-style: chr12-32877884-C-T. GRCh37 (hg19) VCF-style: chr12-33030818-C-T.
Other names: c.996G>A, p.Leu332= (NM_004572.4).
Identifiers: ClinVar variation 381487 (VCV000381487.23), dbSNP rs144574595, ClinGen allele CA039954.
Genomic context (GRCh38, chr12:32,877,884, plus strand): 5'-GCAGAGTCAGGAGGGGACTTACCCCAGCTGGGAGTCAGTGAAAGTGCTTCTCTCAGTGAG[C>T]AGATTCCCACTTCCCCCTGCGGCCGCCTGGCCGACAGTCAAGTGCGCTCTCCTCCCGCTG-3'
Protein context (NP_001005242.2, residues 322-342): GQAAAGGSGN[Leu332=]LTERSTFTDS